The following is an entry in ClinVar:

ClinVar aggregate classification (germline): Uncertain significance (1 of 4 stars; one submission).

Allele frequency attached by ClinVar (database versions not stated): TOPMed 0.00001.

Submission:

Labcorp Genetics (formerly Invitae), Labcorp
Classification: Uncertain significance. Last evaluated: 2022-06-22. Review status: criteria provided, single submitter. Criteria: Invitae Variant Classification Sherloc (09022015). Collection method: clinical testing. Allele origin: germline.
Comment: In summary, the available evidence is currently insufficient to determine the role of this variant in disease. Therefore, it has been classified as a Variant of Uncertain Significance. Algorithms developed to predict the effect of missense changes on protein structure and function are either unavailable or do not agree on the potential impact of this missense change (SIFT: "Tolerated"; PolyPhen-2: "Not Available"; Align-GVGD: "Class C0"). This variant has not been reported in the literature in individuals affected with SLC9A7-related conditions. This variant is not present in population databases (gnomAD no frequency). This sequence change replaces glycine, which is neutral and non-polar, with aspartic acid, which is acidic and polar, at codon 30 of the SLC9A7 protein (p.Gly30Asp).

NM_001257291.2(SLC9A7):c.89G>A (p.Gly30Asp)

Genes: SLC9A7 (solute carrier family 9 member A7; minus strand), LOC130068197 (ATAC-STARR-seq lymphoblastoid silent region 20793; plus strand). Cytogenetic location: Xp11.3.
Variant type: single nucleotide variant.
Coding change: c.89G>A on transcript NM_001257291.2 (MANE Select); coding-DNA position 89, G replaced by A.
Protein change: p.Gly30Asp; replaces glycine 30 with aspartic acid.
Molecular consequence: missense variant.
Genome position (GRCh38, 1-based): chrX:46,758,941, C>T on the plus strand (G>A on the coding strand, the complement: SLC9A7 is on the minus strand). VCF-style: chrX-46758941-C-T. GRCh37 (hg19) VCF-style: chrX-46618376-C-T.
Other names: c.89G>A, p.Gly30Asp (NM_032591.3); short protein forms G30D.
Identifiers: ClinVar variation 1896522 (VCV001896522.5), dbSNP rs1556295045, ClinGen allele CA413037633.